The following is an entry in ClinVar:

NM_032119.4(ADGRV1):c.18311-9dup

Gene: ADGRV1 (adhesion G protein-coupled receptor V1; plus strand). Cytogenetic location: 5q14.3.
Variant type: Duplication.
Coding change: c.18311-9dup on transcript NM_032119.4 (MANE Select); 9 bases into the intron before coding-DNA position 18311, one base duplicated (T; older notation c.18311-9dupT).
Genome position (GRCh38, 1-based): chr5:91,102,210, T duplicated; the last of 10 consecutive T bases (chr5:91,102,201-91,102,210); duplicating any one gives the same sequence. VCF-style (leftmost placement, unchanged base first): chr5-91102200-C-CT. GRCh37 (hg19) VCF-style: chr5-90398017-C-CT.
Identifiers: ClinVar variation 179151 (VCV000179151.16), dbSNP rs140911567, ClinGen allele CA183819.

ClinVar aggregate classification (germline): Benign. Review status: criteria provided, multiple submitters, no conflicts (2 of 4 stars). 3 submissions from 3 submitters: Benign (3). Last evaluated 2026-01-28.

Submissions (3):

Labcorp Genetics (formerly Invitae), Labcorp
Classification: Benign. Last evaluated: 2026-01-28. Review status: criteria provided, single submitter. Criteria: Invitae Variant Classification Sherloc (09022015). Collection method: clinical testing. Allele origin: germline.

Eurofins Ntd Llc (ga)
Classification: Benign. Last evaluated: 2015-03-11. Review status: criteria provided, single submitter. Criteria: EGL Classification Definitions. Collection method: clinical testing. Allele origin: germline. Observed: 1 variant allele, 1 heterozygote.

Laboratory for Molecular Medicine, Mass General Brigham Personalized Medicine
Classification: Benign. Last evaluated: 2013-09-25. Review status: criteria provided, single submitter. Criteria: LMM Criteria. Collection method: clinical testing. Allele origin: germline. Observed: 2 variant alleles.
Comment: This variant is not expected to have clinical significance because it has been i dentified in 0.74% (58/7796) of European American chromosomes and 0.63% (22/3500 ) of African American chromosomes from a broad population by the NHLBI Exome Seq uencing Project, and it does not cause that p osition to diverge from the splice site consensus sequence.